The following is an entry in ClinVar:

NM_002439.5(MSH3):c.358+1G>T

Gene: MSH3 (mutS homolog 3; plus strand). Cytogenetic location: 5q14.1.
Variant type: single nucleotide variant.
Coding change: c.358+1G>T on transcript NM_002439.5 (MANE Select); the canonical splice donor site of the intron after coding-DNA position 358, G replaced by T.
Molecular consequence: splice donor variant.
Genome position (GRCh38, 1-based): chr5:80,656,532, G>T. VCF-style: chr5-80656532-G-T. GRCh37 (hg19) VCF-style: chr5-79952351-G-T.
Identifiers: ClinVar variation 2673491 (VCV002673491.2), dbSNP rs2112801912, ClinGen allele CA360266634.

ClinVar aggregate classification (germline): Likely pathogenic. Review status: criteria provided, multiple submitters, no conflicts (2 of 4 stars). 2 submissions from 2 submitters: Likely pathogenic (2). Last evaluated 2025-08-28.

Conditions:
Familial adenomatous polyposis 4 (FAP4). Also called: MSH3-related attenuated familial adenomatous polyposis. Identifiers: Orphanet 480536, MedGen C4310719, MONDO:0044300, OMIM 617100.

gnomAD v4.1: 1 of 1,614,130 alleles (0.000062%); highest among the groups gnomAD compares: Non-Finnish European, 0.000085%; no homozygotes.

Submissions (2):

Labcorp Genetics (formerly Invitae), Labcorp
Classification: Likely pathogenic. Last evaluated: 2025-08-28. Review status: criteria provided, single submitter. Criteria: Invitae Variant Classification Sherloc (09022015). Collection method: clinical testing. Allele origin: germline.
Comment: This sequence change affects a donor splice site in intron 2 of the MSH3 gene. It is expected to disrupt RNA splicing. Variants that disrupt the donor or acceptor splice site typically lead to a loss of protein function (PMID: 16199547), and loss-of-function variants in MSH3 are known to be pathogenic (PMID: 27476653, 37402566). This variant is not present in population databases (gnomAD no frequency). This variant has not been reported in the literature in individuals affected with MSH3-related conditions. ClinVar contains an entry for this variant (Variation ID: 2673491). Algorithms developed to predict the effect of sequence changes on RNA splicing suggest that this variant may disrupt the consensus splice site. In summary, the currently available evidence indicates that the variant is pathogenic, but additional data are needed to prove that conclusively. Therefore, this variant has been classified as Likely Pathogenic.

Myriad Genetics, Inc.
Classification: Likely pathogenic for Familial adenomatous polyposis 4. Last evaluated: 2023-08-29. Review status: criteria provided, single submitter. Criteria: Myriad Autosomal Dominant, Autosomal Recessive and X-Linked Classification Criteria (2023). Collection method: clinical testing. Allele origin: unknown.
Comment: This variant is considered likely pathogenic. This variant occurs within a consensus splice junction and is predicted to result in abnormal mRNA splicing of either an out-of-frame exon or an in-frame exon necessary for protein stability and/or normal function.

Literature cited by the submitters: PubMed 16199547 (cited by Labcorp Genetics (formerly Invitae), Labcorp); PubMed 27476653 (cited by Labcorp Genetics (formerly Invitae), Labcorp); PubMed 37402566 (cited by Labcorp Genetics (formerly Invitae), Labcorp).